The following is an entry in ClinVar:

ClinVar aggregate classification (germline): Uncertain significance. Review status: criteria provided, multiple submitters, no conflicts (2 of 4 stars). 2 submissions from 2 submitters: Uncertain significance (2). Last evaluated 2025-12-18.

Conditions:
TTN-related disorder. Also called: TTN-related condition; TTN-related disease; TTN-related disorders.

Allele frequency attached by ClinVar (database versions not stated): ExAC 0.00001; gnomAD exomes 0.00002; TOPMed 0.00006.
gnomAD v4.1: 18 of 1,613,044 alleles (0.0011%); highest among the groups gnomAD compares: African/African-American, 0.016%; no homozygotes.

Submissions (2):

PreventionGenetics, part of Exact Sciences
Classification: Uncertain significance for TTN-related condition. Last evaluated: 2025-12-18. Review status: criteria provided, single submitter. Criteria: ACMG Guidelines, 2015. Collection method: clinical testing. Allele origin: germline.
Comment: The TTN c.11311+3133G>C variant is predicted to interfere with splicing. Of note, this variant is also referred to as c.12409G>C (p.Asp4137His), located in exon 46 of the alternative Novex-3 transcript NM_133379 (minor small cardiac isoform). This exon is not included in any other TTN transcripts (principle cardiac or skeletal muscle isoforms). To our knowledge, this variant has not been reported in the literature. This variant is reported in 0.024% of alleles in individuals of African descent in gnomAD. At this time, the clinical significance of this variant is uncertain due to the absence of conclusive functional and genetic evidence.

Laboratory for Molecular Medicine, Mass General Brigham Personalized Medicine
Classification: Uncertain significance. Last evaluated: 2013-04-20. Review status: criteria provided, single submitter. Criteria: LMM Criteria. Collection method: clinical testing. Allele origin: germline. Observed: 1 variant allele.
Comment: The Asp4137His variant in TTN has not been reported in individuals with cardiomy opathy or in large population studies. Computational analyses are limited for th is variant. Additional studies are needed to fully assess its clinical significa nce.

NM_133379.5(TTN):c.12409G>C (p.Asp4137His)

Gene: TTN (titin; minus strand). Cytogenetic location: 2q31.2.
Variant type: single nucleotide variant.
Coding change: c.12409G>C on transcript NM_133379.5; coding-DNA position 12409, G replaced by C.
Protein change: p.Asp4137His; replaces aspartic acid 4137 with histidine.
Molecular consequence: missense variant. On other transcripts: intron variant (6).
Genome position (GRCh38, 1-based): chr2:178,749,991, C>G on the plus strand (G>C on the coding strand, the complement: TTN is on the minus strand). VCF-style: chr2-178749991-C-G. GRCh37 (hg19) VCF-style: chr2-179614718-C-G.
Other names: c.10222+3133G>C (NM_003319.4); c.10798+3133G>C (NM_133437.4); c.10597+3133G>C (NM_133432.3); c.10360+3133G>C (NM_133378.4, NM_001256850.1); c.11311+3133G>C (NM_001267550.2); short protein forms D4137H.
Identifiers: ClinVar variation 178897 (VCV000178897.6), dbSNP rs727504522, ClinGen allele CA183253.